The following is an entry in ClinVar:

ClinVar aggregate classification (germline): Uncertain significance. Review status: criteria provided, multiple submitters, no conflicts (2 of 4 stars). 2 submissions from 2 submitters: Uncertain significance (2). Last evaluated 2024-01-22.

Conditions:
Hereditary cancer-predisposing syndrome. Also called: Tumor predisposition; Hereditary neoplastic syndrome; Neoplastic Syndromes, Hereditary; Hereditary Cancer Syndrome. Identifiers: Orphanet 140162, MedGen C0027672, MeSH D009386, MONDO:0015356.

Submissions (2):

Ambry Genetics
Classification: Uncertain significance for Hereditary cancer-predisposing syndrome. Last evaluated: 2024-01-22. Review status: criteria provided, single submitter. Criteria: Ambry Variant Classification Scheme 2023. Collection method: clinical testing. Allele origin: germline.
Comment: The p.L353R variant (also known as c.1058T>G), located in coding exon 8 of the STK11 gene, results from a T to G substitution at nucleotide position 1058. The leucine at codon 353 is replaced by arginine, an amino acid with dissimilar properties. This amino acid position is highly conserved in available vertebrate species. In addition, this alteration is predicted to be tolerated by in silico analysis. Since supporting evidence is limited at this time, the clinical significance of this alteration remains unclear.

Sema4
Classification: Uncertain significance for Hereditary cancer-predisposing syndrome. Last evaluated: 2021-11-21. Review status: criteria provided, single submitter. Criteria: Sema4 Curation Guidelines. Collection method: curation. Allele origin: germline.
Comment: The STK11 c.1058T>G (p.L353R) variant has not been reported in the literature to our knowledge. This variant was not observed in the large and broad cohorts of the Genome Aggregation Database (PMID: 32461654). The variant has been reported in ClinVar (Variation ID: 818292). Functional studies have not been performed, and in silico predictions of the variant's effect on protein function are inconclusive. The evidence is insufficient to meet ACMG/AMP criteria for classifying the variant as benign or pathogenic. Thus, the clinical significance of this variant is currently uncertain.

NM_000455.5(STK11):c.1058T>G (p.Leu353Arg)

Genes: STK11 (serine/threonine kinase 11; plus strand), LOC130062899 (ATAC-STARR-seq lymphoblastoid active region 13597; plus strand). Cytogenetic location: 19p13.3.
Variant type: single nucleotide variant.
Coding change: c.1058T>G on transcript NM_000455.5 (MANE Select); coding-DNA position 1058, T replaced by G.
Protein change: p.Leu353Arg; replaces leucine 353 with arginine.
Molecular consequence: missense variant.
Genome position (GRCh38, 1-based): chr19:1,223,122, T>G. VCF-style: chr19-1223122-T-G. GRCh37 (hg19) VCF-style: chr19-1223121-T-G.
Other names: short protein forms L353R.
Identifiers: ClinVar variation 818292 (VCV000818292.5), dbSNP rs1599929512, ClinGen allele CA402951843.
Genomic context (GRCh38, chr19:1,223,122, plus strand): 5'-GCAGCATGACTGTGGTGCCGTACTTGGAGGACCTGCACGGCGCGGACGAGGACGAGGACC[T>G]CTTCGACATCGAGGATGACATCATCTACACTCAGGACTTCACGGTGCCCGGTGAGTCTGG-3'
Protein context (NP_000446.1, residues 343-363): DLHGADEDED[Leu353Arg]FDIEDDIIYT